The following is an entry in ClinVar:

ClinVar aggregate classification (germline): Uncertain significance (1 of 4 stars; one submission).

Allele frequency attached by ClinVar (database versions not stated): gnomAD 0.00003.

Submission:

Labcorp Genetics (formerly Invitae), Labcorp
Classification: Uncertain significance. Last evaluated: 2023-12-07. Review status: criteria provided, single submitter. Criteria: Invitae Variant Classification Sherloc (09022015). Collection method: clinical testing. Allele origin: germline.
Comment: This sequence change replaces glutamic acid, which is acidic and polar, with aspartic acid, which is acidic and polar, at codon 133 of the DNASE1L3 protein (p.Glu133Asp). This variant is present in population databases (no rsID available, gnomAD 0.01%). This variant has not been reported in the literature in individuals affected with DNASE1L3-related conditions. ClinVar contains an entry for this variant (Variation ID: 2188210). An algorithm developed to predict the effect of missense changes on protein structure and function (PolyPhen-2) suggests that this variant is likely to be disruptive. In summary, the available evidence is currently insufficient to determine the role of this variant in disease. Therefore, it has been classified as a Variant of Uncertain Significance.

NM_004944.4(DNASE1L3):c.399G>C (p.Glu133Asp)

Gene: DNASE1L3 (deoxyribonuclease 1L3; minus strand). Cytogenetic location: 3p14.3.
Variant type: single nucleotide variant.
Coding change: c.399G>C on transcript NM_004944.4 (MANE Select); coding-DNA position 399, G replaced by C.
Protein change: p.Glu133Asp; replaces glutamic acid 133 with aspartic acid.
Molecular consequence: missense variant.
Genome position (GRCh38, 1-based): chr3:58,204,803, C>G on the plus strand (G>C on the coding strand, the complement: DNASE1L3 is on the minus strand). VCF-style: chr3-58204803-C-G. GRCh37 (hg19) VCF-style: chr3-58190530-C-G.
Other names: c.309G>C, p.Glu103Asp (NM_001256560.2); short protein forms E103D, E133D.
Identifiers: ClinVar variation 2188210 (VCV002188210.4), dbSNP rs1012715496, ClinGen allele CA75475308.